The following continues an entry in ClinVar:

NM_000254.3(MTR):c.3518C>T (p.Pro1173Leu)

Gene: MTR. ClinVar aggregate classification (germline): Pathogenic/Likely pathogenic. Pathogenic (12); Likely pathogenic (1).

Submissions 12 to 17 of 17:

Ambry Genetics
Classification: Pathogenic for Inborn genetic diseases. Last evaluated: 2015-06-11. Review status: criteria provided, single submitter. Criteria: Ambry Autosomal Dominant and X-Linked criteria (10/2015). Collection method: clinical testing. Allele origin: germline. Observed: 1 variant allele.
Comment: The p.P1173L alteration is located in exon 33 of the MTR gene (NM_000254). This alteration results from a C to T substitution at nucleotide position 3518, resulting in an amino acid substitution of leucine for proline at position 1173, an amino acid with dissimilar properties. This alteration (HGMD # CM961003) was first reported in a compound heterozygous state with a 3bp in-frame deletion in a cbIG deficiency patient (Gulati et al. (1996) Hum Mol Genet 5, 1859). The c.3518C>T (p.P1173L) alteration in the MTR gene is the most common alteration, observed at a frequency of about 40% (16/38 chromosomes), in patients with cblG deficiency (Watkins D, et al. (2002) Am J Hum Genet 71:143-153). This variant was previously reported in the SNPDatabase as rs121913578. Based on data from the NHLBI Exome Sequencing Project (ESP), the T-allele has an overall frequency of approximately 0.03% (4/12,990) total alleles studied. The T-allele was observed in 0.03% (3/8,588) European American alleles and in 0.02% (1/4,402) African American alleles studied. To our knowledge, this alteration has not been previously reported in the 1000 Genome database. This amino acid is completely conserved in available vertebrate species. This variant is predicted to be probably damaging by Polyphen and deleterious by SIFT in silico analyses respectively. Based on the available evidence to date, this variant is classified as a pathogenic mutation.

Eurofins Ntd Llc (ga)
Classification: Pathogenic. Last evaluated: 2015-05-19. Review status: criteria provided, single submitter. Criteria: EGL Classification Definitions 2015. Collection method: clinical testing. Allele origin: germline. Observed: 1 variant allele, 1 heterozygote.

Genomic Medicine Center of Excellence, King Faisal Specialist Hospital and Research Centre
Classification: Likely pathogenic for Profound Intellectual disability; Seizure disorder. Last evaluated: 2014-12-01. Review status: no assertion criteria provided. Criteria: research. Collection method: research. Allele origin: germline. Affected: yes. Not counted in ClinVar's aggregate classification.

OMIM
Classification: Pathogenic for HOMOCYSTINURIA-MEGALOBLASTIC ANEMIA, cblG COMPLEMENTATION TYPE. Last evaluated: 2002-07-01. Review status: no assertion criteria provided. Collection method: literature only. Allele origin: germline. Not counted in ClinVar's aggregate classification.

GeneReviews
No classification provided. Condition: Disorders of Intracellular Cobalamin Metabolism. Review status: no classification provided. Collection method: literature only. Allele origin: germline. Not counted in ClinVar's aggregate classification.

NIHR Bioresource Rare Diseases, University of Cambridge
Classification: Likely pathogenic for Decreased methionine synthase activity; Homocystinuria. Review status: no assertion criteria provided. Collection method: research. Allele origin: unknown. Affected: yes. Observed: 1 variant allele. Not counted in ClinVar's aggregate classification.

Literature cited by the submitters: PubMed 8968736 (cited by 4 submitters); PubMed 9235907 (cited by Variantyx, Inc. and Labcorp Genetics (formerly Invitae), Labcorp); PubMed 12068375 (cited by 7 submitters); PubMed 25856670 (cited by Variantyx, Inc. and Illumina Laboratory Services, Illumina); PubMed 25558065 (cited by 3 submitters); PubMed 28666289 (cited by Variantyx, Inc. and Illumina Laboratory Services, Illumina); PubMed 25526710 (cited by Labcorp Genetics (formerly Invitae), Labcorp); PubMed 32533987 (cited by Women's Health and Genetics/Laboratory Corporation of America, LabCorp); PubMed 32581362 (cited by NIHR Bioresource Rare Diseases, University of Cambridge).